The following is an entry in ClinVar:

NM_006437.4(PARP4):c.3549G>A (p.Glu1183=)

Gene: PARP4 (poly(ADP-ribose) polymerase family member 4; minus strand). Cytogenetic location: 13q12.12.
Variant type: single nucleotide variant.
Coding change: c.3549G>A on transcript NM_006437.4 (MANE Select); coding-DNA position 3549, G replaced by A.
Protein change: p.Glu1183=; no amino-acid change (glutamic acid 1183 retained).
Molecular consequence: synonymous variant.
Genome position (GRCh38, 1-based): chr13:24,441,963, C>T on the plus strand (G>A on the coding strand, the complement: PARP4 is on the minus strand). VCF-style: chr13-24441963-C-T. GRCh37 (hg19) VCF-style: chr13-25016101-C-T.
Identifiers: ClinVar variation 2643687 (VCV002643687.24), dbSNP rs145391493, ClinGen allele CA6915313.

ClinVar aggregate classification (germline): Likely benign (1 of 4 stars; one submission).

Allele frequency attached by ClinVar (database versions not stated): ESP Exome Variant Server 0.00008; gnomAD 0.00013; ExAC 0.00020.

Submission:

CeGaT Center for Human Genetics Tuebingen
Classification: Likely benign. Last evaluated: 2022-06-01. Review status: criteria provided, single submitter. Criteria: CeGaT Center For Human Genetics Tuebingen Variant Classification Criteria Version 2. Collection method: clinical testing. Allele origin: germline. Affected: yes. Observed: 1 variant allele.
Comment: PARP4: BP4, BP7